The following is an entry in ClinVar:

ClinVar aggregate classification (germline): Pathogenic/Likely pathogenic. Review status: criteria provided, multiple submitters, no conflicts (2 of 4 stars). 3 submissions from 3 submitters: Pathogenic (1); Likely pathogenic (1). 1 of the submissions does not count toward it. Last evaluated 2024-02-29.

Conditions:
Dyskeratosis congenita, autosomal recessive 5 (DKCB5). Identifiers: MedGen C3554656, MONDO:0014076, OMIM 615190.
Pulmonary fibrosis and/or bone marrow failure, Telomere-related, 3. Also called: PULMONARY FIBROSIS AND/OR BONE MARROW FAILURE SYNDROME, TELOMERE-RELATED, 3. Identifiers: Orphanet 2032, MedGen C4225346, MONDO:0014613, OMIM 616373.
Dyskeratosis congenita. Identifiers: Orphanet 1775, MedGen C0265965, MONDO:0015780.

Submissions (3):

Baylor Genetics
Classification: Pathogenic for Dyskeratosis congenita, autosomal recessive 5. Last evaluated: 2024-02-29. Review status: criteria provided, single submitter. Criteria: ACMG Guidelines, 2015. Collection method: clinical testing. Allele origin: unknown.

Labcorp Genetics (formerly Invitae), Labcorp
Classification: Likely pathogenic for Dyskeratosis congenita, autosomal recessive 5; Pulmonary fibrosis and/or bone marrow failure, Telomere-related, 3. Last evaluated: 2022-06-09. Review status: criteria provided, single submitter. Criteria: Invitae Variant Classification Sherloc (09022015). Collection method: clinical testing. Allele origin: germline.
Comment: This variant results in the deletion of part of exon 15 (c.1236_1266+47del) of the RTEL1 gene. It is expected to disrupt RNA splicing. Variants that disrupt the donor or acceptor splice site typically lead to a loss of protein function (PMID: 16199547), and loss-of-function variants in RTEL1 are known to be pathogenic (PMID: 23453664, 23959892, 25607374). The frequency data for this variant in the population databases is considered unreliable, as metrics indicate poor data quality at this position in the gnomAD database. This variant has not been reported in the literature in individuals affected with RTEL1-related conditions. ClinVar contains an entry for this variant (Variation ID: 1068424). Algorithms developed to predict the effect of sequence changes on RNA splicing suggest that this variant may disrupt the consensus splice site. In summary, the currently available evidence indicates that the variant is pathogenic, but additional data are needed to prove that conclusively. Therefore, this variant has been classified as Likely Pathogenic.

Natera, Inc.
Classification: Likely pathogenic for Dyskeratosis congenita. Last evaluated: 2021-10-14. Review status: no assertion criteria provided. Collection method: clinical testing. Allele origin: germline. Not counted in ClinVar's aggregate classification.

Literature cited by the submitters: PubMed 16199547 (cited by Labcorp Genetics (formerly Invitae), Labcorp); PubMed 23453664 (cited by Labcorp Genetics (formerly Invitae), Labcorp); PubMed 23959892 (cited by Labcorp Genetics (formerly Invitae), Labcorp); PubMed 25607374 (cited by Labcorp Genetics (formerly Invitae), Labcorp).

NM_001283009.2(RTEL1):c.1236_1266+47del

Genes: RTEL1 (regulator of telomere elongation helicase 1; plus strand), RTEL1-TNFRSF6B (RTEL1-TNFRSF6B readthrough (NMD candidate); plus strand). Cytogenetic location: 20q13.33.
Variant type: Deletion.
Coding change: c.1236_1266+47del on transcript NM_001283009.2 (MANE Select); coding-DNA position 1236 through 47 bases into the intron after coding-DNA position 1266, 78 bases deleted.
Molecular consequence: splice donor variant.
Genome position (GRCh38, 1-based): chr20:63,685,567-63,685,644, 78 bases deleted. GRCh37 (hg19): chr20:62,316,920-62,316,997.
Other names: c.567_597+47del (NM_001283010.1); c.1308_1338+47del (NM_032957.5); c.1236_1266+47del (NM_016434.4).
Identifiers: ClinVar variation 1068424 (VCV001068424.10), dbSNP rs1568703403, ClinGen allele CA9964680.